The following is an entry in ClinVar:

NM_000170.3(GLDC):c.209C>G (p.Pro70Arg)

Gene: GLDC (glycine decarboxylase; minus strand). Cytogenetic location: 9p24.1.
Variant type: single nucleotide variant.
Coding change: c.209C>G on transcript NM_000170.3 (MANE Select); coding-DNA position 209, C replaced by G.
Protein change: p.Pro70Arg; replaces proline 70 with arginine.
Molecular consequence: missense variant.
Genome position (GRCh38, 1-based): chr9:6,645,291, G>C on the plus strand (C>G on the coding strand, the complement: GLDC is on the minus strand). VCF-style: chr9-6645291-G-C. GRCh37 (hg19) VCF-style: chr9-6645291-G-C.
Other names: short protein forms P70R.
Identifiers: ClinVar variation 1070180 (VCV001070180.12), dbSNP rs776730073, ClinGen allele CA372886474.

ClinVar aggregate classification (germline): Conflicting classifications of pathogenicity. Review status: criteria provided, conflicting classifications (1 of 4 stars). 2 submissions from 2 submitters: Pathogenic (1); Uncertain significance (1). Last evaluated 2025-10-01.

Conditions:
Glycine encephalopathy. Also called: Nonketotic hyperglycinemia; Non-ketotic hyperglycinemia. Identifiers: Orphanet 407, MedGen C0751748, MONDO:0011612, HP:0008288.

Submissions (2):

Women's Health and Genetics/Laboratory Corporation of America, LabCorp
Classification: Uncertain significance. Last evaluated: 2025-10-01. Review status: criteria provided, single submitter. Criteria: LabCorp Variant Classification Summary - May 2015. Collection method: clinical testing. Allele origin: germline.
Comment: Variant summary: GLDC c.209C>G (p.Pro70Arg) results in a non-conservative amino acid change located in the Glycine cleavage system P-protein, N-terminal domain (IPR049315) of the encoded protein sequence. Algorithms developed to predict the effect of missense changes on protein structure and function all suggest that this variant is likely to be disruptive. The variant was absent in 1602844 control chromosomes. The available data on variant occurrences in the general population are insufficient to allow any conclusion about variant significance. c.209C>G has been observed in at least one individual affected with Glycine Encephalopathy (Non-Ketotic Hyperglycinemia) (Coughlin_2017). This report does not provide unequivocal conclusions about association of the variant with Glycine Encephalopathy (Non-Ketotic Hyperglycinemia). To our knowledge, no experimental evidence demonstrating an impact on protein function has been reported. The following publication has been ascertained in the context of this evaluation (PMID: 27362913). ClinVar contains an entry for this variant (Variation ID: 1070180). ClinVar contains an entry for this variant (Variation ID: 1070180). Based on the evidence outlined above, the variant was classified as uncertain significance.

Labcorp Genetics (formerly Invitae), Labcorp
Classification: Pathogenic for Glycine encephalopathy. Last evaluated: 2022-01-05. Review status: criteria provided, single submitter. Criteria: Invitae Variant Classification Sherloc (09022015). Collection method: clinical testing. Allele origin: germline.
Comment: This variant is not present in population databases (gnomAD no frequency). This sequence change replaces proline, which is neutral and non-polar, with arginine, which is basic and polar, at codon 70 of the GLDC protein (p.Pro70Arg). This missense change has been observed in individual(s) with glycine encephalopathy (PMID: 27362913). In at least one individual the data is consistent with being in trans (on the opposite chromosome) from a pathogenic variant. ClinVar contains an entry for this variant (Variation ID: 1070180). Advanced modeling of protein sequence and biophysical properties (such as structural, functional, and spatial information, amino acid conservation, physicochemical variation, residue mobility, and thermodynamic stability) performed at Invitae indicates that this missense variant is expected to disrupt GLDC protein function. For these reasons, this variant has been classified as Pathogenic.

Literature cited by the submitters: PubMed 27362913 (cited by Women's Health and Genetics/Laboratory Corporation of America, LabCorp and Labcorp Genetics (formerly Invitae), Labcorp).